The following is an entry in ClinVar:

ClinVar aggregate classification (germline): Uncertain significance. Review status: criteria provided, multiple submitters, no conflicts (2 of 4 stars). 4 submissions from 4 submitters: Uncertain significance (4). Last evaluated 2024-06-22.

Conditions:
Nemaline myopathy 8 (NEM8). Also called: Nemaline myopathy 8, autosomal recessive. Identifiers: Orphanet 171430, MedGen C3809209, MONDO:0014138, OMIM 615348.
Inborn genetic diseases. Identifiers: MedGen C0950123, MeSH D030342.

Allele frequency attached by ClinVar (database versions not stated): TOPMed below 0.00001; ExAC 0.00001; gnomAD 0.00001; gnomAD exomes 0.00001 and 0.00002.
gnomAD v4.1: 11 of 1,613,910 alleles (0.00068%); highest among the groups gnomAD compares: Admixed American, 0.0017%; no homozygotes.

Submissions (4):

Ambry Genetics
Classification: Uncertain significance for Inborn genetic diseases. Last evaluated: 2024-06-22. Review status: criteria provided, single submitter. Criteria: Ambry Variant Classification Scheme 2023. Collection method: clinical testing. Allele origin: germline.

GeneDx
Classification: Uncertain significance. Last evaluated: 2023-04-08. Review status: criteria provided, single submitter. Criteria: GeneDx Variant Classification Process June 2021. Collection method: clinical testing. Allele origin: germline. Affected: yes.
Comment: Not observed at significant frequency in large population cohorts (gnomAD); In silico analysis supports that this missense variant does not alter protein structure/function; Has not been previously published as pathogenic or benign to our knowledge

Labcorp Genetics (formerly Invitae), Labcorp
Classification: Uncertain significance for Nemaline myopathy 8. Last evaluated: 2022-07-25. Review status: criteria provided, single submitter. Criteria: Invitae Variant Classification Sherloc (09022015). Collection method: clinical testing. Allele origin: germline.
Comment: ClinVar contains an entry for this variant (Variation ID: 546303). This variant has not been reported in the literature in individuals affected with KLHL40-related conditions. This variant is present in population databases (rs776547008, gnomAD 0.003%). This sequence change replaces methionine, which is neutral and non-polar, with valine, which is neutral and non-polar, at codon 461 of the KLHL40 protein (p.Met461Val). Algorithms developed to predict the effect of missense changes on protein structure and function (SIFT, PolyPhen-2, Align-GVGD) all suggest that this variant is likely to be tolerated. In summary, the available evidence is currently insufficient to determine the role of this variant in disease. Therefore, it has been classified as a Variant of Uncertain Significance.

Athena Diagnostics
Classification: Uncertain significance. Last evaluated: 2019-06-05. Review status: criteria provided, single submitter. Criteria: Athena Diagnostics Criteria. Collection method: clinical testing. Allele origin: germline.

NM_152393.4(KLHL40):c.1381A>G (p.Met461Val)

Gene: KLHL40 (kelch like family member 40; plus strand). Cytogenetic location: 3p22.1.
Variant type: single nucleotide variant.
Coding change: c.1381A>G on transcript NM_152393.4 (MANE Select); coding-DNA position 1381, A replaced by G.
Protein change: p.Met461Val; replaces methionine 461 with valine.
Molecular consequence: missense variant.
Genome position (GRCh38, 1-based): chr3:42,688,677, A>G. VCF-style: chr3-42688677-A-G. GRCh37 (hg19) VCF-style: chr3-42730169-A-G.
Other names: c.1381A>G (NM_152393.2); short protein forms M461V.
Identifiers: ClinVar variation 546303 (VCV000546303.10), dbSNP rs776547008, ClinGen allele CA2336940.